The following is an entry in ClinVar:

ClinVar aggregate classification (germline): Conflicting classifications of pathogenicity. Review status: criteria provided, conflicting classifications (1 of 4 stars). 2 submissions from 2 submitters: Uncertain significance (1); Likely benign (1). Last evaluated 2026-06-22.

Conditions:
Hereditary cancer-predisposing syndrome. Also called: Hereditary Cancer Syndrome; Tumor predisposition; Neoplastic Syndromes, Hereditary; Hereditary neoplastic syndrome. Identifiers: Orphanet 140162, MedGen C0027672, MeSH D009386, MONDO:0015356.
Tuberous sclerosis 1 (TSC1). Identifiers: Orphanet 805, MedGen C1854465, MONDO:0008612, OMIM 191100.

Submissions (2):

Ambry Genetics
Classification: Likely benign for Hereditary cancer-predisposing syndrome. Last evaluated: 2026-06-22. Review status: criteria provided, single submitter. Criteria: Ambry Variant Classification Scheme 2023. Collection method: clinical testing. Allele origin: germline.

Labcorp Genetics (formerly Invitae), Labcorp
Classification: Uncertain significance for Tuberous sclerosis 1. Last evaluated: 2022-03-08. Review status: criteria provided, single submitter. Criteria: Invitae Variant Classification Sherloc (09022015). Collection method: clinical testing. Allele origin: germline.
Comment: In summary, the available evidence is currently insufficient to determine the role of this variant in disease. Therefore, it has been classified as a Variant of Uncertain Significance. Algorithms developed to predict the effect of missense changes on protein structure and function output the following: SIFT: "Tolerated"; PolyPhen-2: "Benign"; Align-GVGD: "Class C0". The serine amino acid residue is found in multiple mammalian species, which suggests that this missense change does not adversely affect protein function. This variant has not been reported in the literature in individuals affected with TSC1-related conditions. This variant is not present in population databases (gnomAD no frequency). This sequence change replaces asparagine, which is neutral and polar, with serine, which is neutral and polar, at codon 440 of the TSC1 protein (p.Asn440Ser).

NM_000368.5(TSC1):c.1319A>G (p.Asn440Ser)

Gene: TSC1 (TSC complex subunit 1; minus strand). Cytogenetic location: 9q34.13.
Variant type: single nucleotide variant.
Coding change: c.1319A>G on transcript NM_000368.5 (MANE Select); coding-DNA position 1319, A replaced by G.
Protein change: p.Asn440Ser; replaces asparagine 440 with serine.
Molecular consequence: missense variant.
Genome position (GRCh38, 1-based): chr9:132,907,315, T>C on the plus strand (A>G on the coding strand, the complement: TSC1 is on the minus strand). VCF-style: chr9-132907315-T-C. GRCh37 (hg19) VCF-style: chr9-135782702-T-C.
Other names: c.1319A>G (NM_000368.4); c.1316A>G, p.Asn439Ser (NM_001162426.2); c.1166A>G, p.Asn389Ser (NM_001162427.2); c.956A>G, p.Asn319Ser (NM_001362177.2); short protein forms N319S, N389S, N440S, N439S.
Identifiers: ClinVar variation 1480057 (VCV001480057.11), dbSNP rs2131879422, ClinGen allele CA375366106.